The following is an entry in ClinVar:

ClinVar aggregate classification (germline): Likely pathogenic (1 of 4 stars; one submission).

Submission:

GeneDx
Classification: Likely pathogenic. Last evaluated: 2023-01-11. Review status: criteria provided, single submitter. Criteria: GeneDx Variant Classification Process June 2021. Collection method: clinical testing. Allele origin: germline. Affected: yes.
Comment: Not observed at significant frequency in large population cohorts (gnomAD); Missense variants in this gene are often considered pathogenic (HGMD); In silico analysis supports that this missense variant has a deleterious effect on protein structure/function; Has not been previously published as pathogenic or benign to our knowledge; This substitution is predicted to be within the intracellular loop between the S4 and S5 transmembrane segments of the first homologous domain

NM_001165963.4(SCN1A):c.731T>C (p.Val244Ala)

Gene: SCN1A (sodium voltage-gated channel alpha subunit 1; minus strand). Cytogenetic location: 2q24.3.
Variant type: single nucleotide variant.
Coding change: c.731T>C on transcript NM_001165963.4 (MANE Select); coding-DNA position 731, T replaced by C.
Protein change: p.Val244Ala; replaces valine 244 with alanine.
Molecular consequence: missense variant. On other transcripts: 5 prime UTR variant (1), non-coding transcript variant (1).
Genome position (GRCh38, 1-based): chr2:166,051,952, A>G on the plus strand (T>C on the coding strand, the complement: SCN1A is on the minus strand). VCF-style: chr2-166051952-A-G. GRCh37 (hg19) VCF-style: chr2-166908462-A-G.
Other names: c.731T>C, p.Val244Ala (NM_001165964.3, NM_001202435.3, NM_001353948.2 and 10 more transcripts); c.-1695T>C (NM_001353961.2); short protein forms V244A.
Identifiers: ClinVar variation 432892 (VCV000432892.3), dbSNP rs1553549902, ClinGen allele CA349073716.